The following is an entry in ClinVar:

NM_015512.5(DNAH1):c.947T>A (p.Leu316Gln)

Gene: DNAH1 (dynein axonemal heavy chain 1; plus strand). Cytogenetic location: 3p21.1.
Variant type: single nucleotide variant.
Coding change: c.947T>A on transcript NM_015512.5 (MANE Select); coding-DNA position 947, T replaced by A.
Protein change: p.Leu316Gln; replaces leucine 316 with glutamine.
Molecular consequence: missense variant.
Genome position (GRCh38, 1-based): chr3:52,331,223, T>A. VCF-style: chr3-52331223-T-A. GRCh37 (hg19) VCF-style: chr3-52365239-T-A.
Other names: short protein forms L316Q.
Identifiers: ClinVar variation 2929871 (VCV002929871.3), dbSNP rs766608273, ClinGen allele CA2432825.

ClinVar aggregate classification (germline): Uncertain significance (1 of 4 stars; one submission).

Conditions:
Spermatogenic failure 18. Identifiers: MedGen C4539783, MONDO:0054615, OMIM 617576.
Ciliary dyskinesia, primary, 37 (CILD37). Also called: CILIARY DYSKINESIA, PRIMARY, 37, WITH OR WITHOUT SITUS INVERSUS. Identifiers: MedGen C4539798, MONDO:0033204, OMIM 617577.

Allele frequency attached by ClinVar (database versions not stated): gnomAD exomes below 0.00001; ExAC 0.00001.
gnomAD v4.1: 2 of 1,610,848 alleles (0.00012%); highest among the groups gnomAD compares: Admixed American, 0.0034%; no homozygotes.

Submission:

Labcorp Genetics (formerly Invitae), Labcorp
Classification: Uncertain significance for Ciliary dyskinesia, primary, 37; Spermatogenic failure 18. Last evaluated: 2024-10-02. Review status: criteria provided, single submitter. Criteria: Invitae Variant Classification Sherloc (09022015). Collection method: clinical testing. Allele origin: germline.
Comment: This sequence change replaces leucine, which is neutral and non-polar, with glutamine, which is neutral and polar, at codon 316 of the DNAH1 protein (p.Leu316Gln). This variant is present in population databases (rs766608273, gnomAD 0.003%). This variant has not been reported in the literature in individuals affected with DNAH1-related conditions. Invitae Evidence Modeling of protein sequence and biophysical properties (such as structural, functional, and spatial information, amino acid conservation, physicochemical variation, residue mobility, and thermodynamic stability) indicates that this missense variant is not expected to disrupt DNAH1 protein function with a negative predictive value of 80%. In summary, the available evidence is currently insufficient to determine the role of this variant in disease. Therefore, it has been classified as a Variant of Uncertain Significance.